The following is an entry in ClinVar:

ClinVar aggregate classification (germline): Conflicting classifications of pathogenicity. Review status: criteria provided, conflicting classifications (1 of 4 stars). 3 submissions from 2 submitters: Uncertain significance (2); Benign (1). Last evaluated 2018-01-12.

Conditions:
Familial hyperinsulinism. Also called: Congenital hyperinsulinism. Identifiers: Orphanet 276525, MedGen C3888018, MONDO:0017182. Disease mechanism: loss of function.
Maturity-onset diabetes of the young (MODY). Also called: Maturity onset diabetes mellitus in young. Identifiers: Orphanet 552, MedGen C0342276, MONDO:0018911, HP:0004904.
Maturity-onset diabetes of the young type 1. Also called: MILD JUVENILE DIABETES MELLITUS; MODY, type I; MODY type 1; Diabetes mellitus MODY type 1; MODY HNF4A related; HNF4A-Related Maturity-Onset Diabetes of the Young Type 1. Identifiers: Orphanet 552, MedGen C1852093, MONDO:0007452, OMIM 125850. Disease mechanism: loss of function.

Allele frequency attached by ClinVar (database versions not stated): gnomAD 0.00004.

Submissions (3):

Illumina Laboratory Services, Illumina
Classification: Uncertain significance for Familial hyperinsulinism. Last evaluated: 2018-01-12. Review status: criteria provided, single submitter. Criteria: ICSL Variant Classification Criteria 13 December 2019. Collection method: clinical testing. Allele origin: germline.

Illumina Laboratory Services, Illumina
Classification: Uncertain significance for Maturity-onset diabetes of the young type 1. Last evaluated: 2018-01-12. Review status: criteria provided, single submitter. Criteria: ICSL Variant Classification Criteria 13 December 2019. Collection method: clinical testing. Allele origin: germline.

Clinical Genomics, Uppaluri K&H Personalized Medicine Clinic
Classification: Benign for Maturity-onset diabetes of the young. Review status: criteria provided, single submitter. Criteria: K & H Uppaluri Personalized Medicine Clinic Variant Classification & Assertion Criteria_Updated V.1. Collection method: research. Allele origin: unknown. Inheritance: Autosomal dominant inheritance.
Comment: Potent mutations in HNF4A are associated with poor insulin secretion in response to hyperglycemia. Associated with MODY1. Patients initially respond well to sulfonylureas but eventually become insulin dependent. However, more evidence is required to ascertain the role of this particular variant rs759101859 in MODY, yet.

Literature cited by the submitters: DOI 10.1159/000334532 (cited by Clinical Genomics, Uppaluri K&H Personalized Medicine Clinic); PubMed 18268044 (cited by Clinical Genomics, Uppaluri K&H Personalized Medicine Clinic); PubMed 17563455 (cited by Clinical Genomics, Uppaluri K&H Personalized Medicine Clinic); PubMed 32583173 (cited by Clinical Genomics, Uppaluri K&H Personalized Medicine Clinic); PubMed 35052457 (cited by Clinical Genomics, Uppaluri K&H Personalized Medicine Clinic); PubMed 35118593 (cited by Clinical Genomics, Uppaluri K&H Personalized Medicine Clinic).

NM_175914.5(HNF4A):c.*1828G>A

Gene: HNF4A (hepatocyte nuclear factor 4 alpha; plus strand). Cytogenetic location: 20q13.12.
Variant type: single nucleotide variant.
Coding change: c.*1828G>A on transcript NM_175914.5 (MANE Select); 1828 bases downstream of the stop codon, G replaced by A.
Molecular consequence: 3 prime UTR variant.
Genome position (GRCh38, 1-based): chr20:44,431,493, G>A. VCF-style: chr20-44431493-G-A. GRCh37 (hg19) VCF-style: chr20-43060133-G-A.
Other names: c.*1828G>A (NM_000457.6, NM_001030003.3, NM_001258355.2 and 3 more transcripts).
Identifiers: ClinVar variation 338463 (VCV000338463.6), dbSNP rs759101859, ClinGen allele CA10653127.